The following is an entry in ClinVar:

ClinVar aggregate classification (germline): Likely benign. Review status: criteria provided, multiple submitters, no conflicts (2 of 4 stars). 3 submissions from 3 submitters: Likely benign (3). Last evaluated 2025-11-03.

Allele frequency attached by ClinVar (database versions not stated): gnomAD exomes 0.00001 and 0.00002; ExAC 0.00002; gnomAD 0.00005 and 0.00006; TOPMed 0.00009.
gnomAD v4.1: 24 of 1,614,052 alleles (0.0015%); highest among the groups gnomAD compares: Admixed American, 0.015%; no homozygotes.

Submissions (3):

Labcorp Genetics (formerly Invitae), Labcorp
Classification: Likely benign. Last evaluated: 2025-11-03. Review status: criteria provided, single submitter. Criteria: Invitae Variant Classification Sherloc (09022015). Collection method: clinical testing. Allele origin: germline.

GeneDx
Classification: Likely benign. Last evaluated: 2020-08-02. Review status: criteria provided, single submitter. Criteria: GeneDx Variant Classification Process June 2021. Collection method: clinical testing. Allele origin: germline. Affected: yes.

Laboratory for Molecular Medicine, Mass General Brigham Personalized Medicine
Classification: Likely benign. Last evaluated: 2017-09-04. Review status: criteria provided, single submitter. Criteria: LMM Criteria. Collection method: clinical testing. Allele origin: germline. Observed: 1 variant allele.
Comment: p.Ser500Ser in exon 9 of TSPEAR: This variant is not expected to have clinical s ignificance because it does not alter an amino acid residue and is not located w ithin the splice consensus sequence. It has been identified in 3/24014 African c hromosomes and in 3/34420 Latino chromosomes by the Genome Aggregation Database (gnomAD; dbSNP rs782070183).

NM_144991.3(TSPEAR):c.1500C>T (p.Ser500=)

Gene: TSPEAR (thrombospondin type laminin G domain and EAR repeats; minus strand). Cytogenetic location: 21q22.3.
Variant type: single nucleotide variant.
Coding change: c.1500C>T on transcript NM_144991.3 (MANE Select); coding-DNA position 1500, C replaced by T.
Protein change: p.Ser500=; no amino-acid change (serine 500 retained).
Molecular consequence: synonymous variant.
Genome position (GRCh38, 1-based): chr21:44,521,949, G>A on the plus strand (C>T on the coding strand, the complement: TSPEAR is on the minus strand). VCF-style: chr21-44521949-G-A. GRCh37 (hg19) VCF-style: chr21-45941832-G-A.
Other names: c.1296C>T, p.Ser432= (NM_001272037.2).
Identifiers: ClinVar variation 506004 (VCV000506004.14), dbSNP rs782070183, ClinGen allele CA10056556.